The following is an entry in ClinVar:

ClinVar aggregate classification (germline): Conflicting classifications of pathogenicity. Review status: criteria provided, conflicting classifications (1 of 4 stars). 2 submissions from 2 submitters: Uncertain significance (1); Likely benign (1). Last evaluated 2025-08-11.

Conditions:
Tuberous sclerosis 2 (TSC2). Identifiers: Orphanet 805, MedGen C1860707, MONDO:0013199, OMIM 613254.

Allele frequency attached by ClinVar (database versions not stated): gnomAD exomes below 0.00001.
gnomAD v4.1: 4 of 1,612,596 alleles (0.00025%); highest among the groups gnomAD compares: Middle Eastern, 0.016%; no homozygotes.

Submissions (2):

Labcorp Genetics (formerly Invitae), Labcorp
Classification: Likely benign for Tuberous sclerosis 2. Last evaluated: 2025-08-11. Review status: criteria provided, single submitter. Criteria: Invitae Variant Classification Sherloc (09022015). Collection method: clinical testing. Allele origin: germline.

CeGaT Center for Human Genetics Tuebingen
Classification: Uncertain significance. Last evaluated: 2023-07-01. Review status: criteria provided, single submitter. Criteria: CeGaT Center For Human Genetics Tuebingen Variant Classification Criteria Version 2. Collection method: clinical testing. Allele origin: germline. Affected: yes. Observed: 1 variant allele.
Comment: TSC2: PM2, BP4

NM_000548.5(TSC2):c.5259+4G>A

Gene: TSC2 (TSC complex subunit 2; plus strand). Cytogenetic location: 16p13.3.
Variant type: single nucleotide variant.
Coding change: c.5259+4G>A on transcript NM_000548.5 (MANE Select); 4 bases into the intron after coding-DNA position 5259, G replaced by A.
Molecular consequence: intron variant.
Genome position (GRCh38, 1-based): chr16:2,088,329, G>A. VCF-style: chr16-2088329-G-A. GRCh37 (hg19) VCF-style: chr16-2138330-G-A.
Other names: c.5190+4G>A (NM_001114382.3); c.5130+4G>A (NM_021055.3); c.5118+4G>A (NM_001370405.1); c.5061+4G>A (NM_001363528.2); c.5127+4G>A (NM_001370404.1); c.5058+4G>A (NM_001077183.3); c.4950+4G>A (NM_001318827.2); c.4527+4G>A (NM_001318831.2); and 2 more.
Identifiers: ClinVar variation 859505 (VCV000859505.31), dbSNP rs2091153561, ClinGen allele CA916081801.